The following is an entry in ClinVar:

ClinVar aggregate classification (germline): Uncertain significance (1 of 4 stars; one submission).

gnomAD v4.1: 2 of 1,613,490 alleles (0.00012%); highest among the groups gnomAD compares: East Asian, 0.0045%; no homozygotes.

Submission:

Labcorp Genetics (formerly Invitae), Labcorp
Classification: Uncertain significance. Last evaluated: 2022-07-19. Review status: criteria provided, single submitter. Criteria: Invitae Variant Classification Sherloc (09022015). Collection method: clinical testing. Allele origin: germline.
Comment: This sequence change replaces asparagine with tyrosine at codon 531 of the MAK protein (p.Asn531Tyr). The asparagine residue is moderately conserved and there is a large physicochemical difference between asparagine and tyrosine. This variant is not present in population databases (gnomAD no frequency). This variant has not been reported in the literature in individuals affected with MAK-related conditions. ClinVar contains an entry for this variant (Variation ID: 1383206). Advanced modeling of protein sequence and biophysical properties (such as structural, functional, and spatial information, amino acid conservation, physicochemical variation, residue mobility, and thermodynamic stability) performed at Invitae indicates that this missense variant is not expected to disrupt MAK protein function. In summary, the available evidence is currently insufficient to determine the role of this variant in disease. Therefore, it has been classified as a Variant of Uncertain Significance.

NM_001242957.3(MAK):c.1591A>T (p.Asn531Tyr)

Gene: MAK (male germ cell associated kinase; minus strand). Cytogenetic location: 6p24.2.
Variant type: single nucleotide variant.
Coding change: c.1591A>T on transcript NM_001242957.3 (MANE Select); coding-DNA position 1591, A replaced by T.
Protein change: p.Asn531Tyr; replaces asparagine 531 with tyrosine.
Molecular consequence: missense variant. On other transcripts: non-coding transcript variant (2).
Genome position (GRCh38, 1-based): chr6:10,775,334, T>A on the plus strand (A>T on the coding strand, the complement: MAK is on the minus strand). VCF-style: chr6-10775334-T-A. GRCh37 (hg19) VCF-style: chr6-10775567-T-A.
Other names: c.1591A>T, p.Asn531Tyr (NM_001242385.2, NM_005906.6); c.1489A>T, p.Asn497Tyr (NM_001377262.1); short protein forms N531Y, N497Y.
Identifiers: ClinVar variation 1383206 (VCV001383206.3), dbSNP rs945583313, ClinGen allele CA134102087.